The following is an entry in ClinVar:

NM_003000.3(SDHB):c.72+3G>A

Genes: SDHB (succinate dehydrogenase complex iron sulfur subunit B; minus strand), LOC129929542 (ATAC-STARR-seq lymphoblastoid active region 277; plus strand). Cytogenetic location: 1p36.13.
Variant type: single nucleotide variant.
Coding change: c.72+3G>A on transcript NM_003000.3 (MANE Select); 3 bases into the intron after coding-DNA position 72, G replaced by A.
Molecular consequence: intron variant.
Genome position (GRCh38, 1-based): chr1:17,053,945, C>T on the plus strand (G>A on the coding strand, the complement: SDHB is on the minus strand). VCF-style: chr1-17053945-C-T. GRCh37 (hg19) VCF-style: chr1-17380440-C-T.
Identifiers: ClinVar variation 459166 (VCV000459166.9), dbSNP rs569245129, ClinGen allele CA089725.

ClinVar aggregate classification (germline): Likely benign. Review status: criteria provided, multiple submitters, no conflicts (2 of 4 stars). 2 submissions from 2 submitters: Likely benign (2). Last evaluated 2025-10-29.

Conditions:
Pheochromocytoma. Also called: MAX-Related Hereditary Paraganglioma-Pheochromocytoma Syndrome. Identifiers: Orphanet 29072, MedGen C0031511, MONDO:0008233, OMIM 171300, HP:0002666.
Pheochromocytoma/paraganglioma syndrome 4. Also called: SDHB-Related Hereditary Paraganglioma-Pheochromocytoma Syndrome (Paragangliomas 4); CAROTID BODY TUMORS AND MULTIPLE EXTRAADRENAL PHEOCHROMOCYTOMAS; PARAGANGLIOMA, FAMILIAL MALIGNANT; PARAGANGLIOMAS, HEREDITARY EXTRAADRENAL; SDHB-Related Hereditary Paraganglioma-Pheochromocytoma Syndrome; PHEOCHROMOCYTOMA, FAMILIAL EXTRAADRENAL. Identifiers: Orphanet 29072, MedGen C1861848, MONDO:0007273, OMIM 115310.
Gastrointestinal stromal tumor. Also called: Gastrointestinal stroma tumor; Gastrointestinal stromal tumor, somatic. Identifiers: Orphanet 44890, MedGen C0238198, MeSH D046152, MONDO:0011719, OMIM 606764, HP:0100723.

Allele frequency attached by ClinVar (database versions not stated): gnomAD below 0.00001 and 0.00002; 1000 Genomes Project 0.00040; 1000 Genomes Project 30x 0.00047.
gnomAD v4.1: 29 of 1,611,594 alleles (0.0018%); highest among the groups gnomAD compares: South Asian, 0.031%; no homozygotes.

Submissions (2):

Labcorp Genetics (formerly Invitae), Labcorp
Classification: Likely benign for Gastrointestinal stromal tumor; Pheochromocytoma/paraganglioma syndrome 4; Pheochromocytoma. Last evaluated: 2025-10-29. Review status: criteria provided, single submitter. Criteria: Invitae Variant Classification Sherloc (09022015). Collection method: clinical testing. Allele origin: germline.

Myriad Genetics, Inc.
Classification: Likely benign for Pheochromocytoma/paraganglioma syndrome 4. Last evaluated: 2025-03-12. Review status: criteria provided, single submitter. Criteria: Myriad Autosomal Dominant, Autosomal Recessive and X-Linked Classification Criteria (2023). Collection method: clinical testing. Allele origin: unknown.
Comment: This variant is considered likely benign. This variant is intronic and is not expected to impact mRNA splicing.